The following is an entry in ClinVar:

ClinVar aggregate classification (germline): Uncertain significance (1 of 4 stars; one submission).

Conditions:
Inborn genetic diseases. Identifiers: MedGen C0950123, MeSH D030342.

Submission:

Ambry Genetics
Classification: Uncertain significance for Inborn genetic diseases. Last evaluated: 2025-08-01. Review status: criteria provided, single submitter. Criteria: Ambry Variant Classification Scheme 2023. Collection method: clinical testing. Allele origin: germline.
Comment: The p.S169N variant (also known as c.506G>A), located in coding exon 4 of the FANCG gene, results from a G to A substitution at nucleotide position 506. The serine at codon 169 is replaced by asparagine, an amino acid with highly similar properties. This amino acid position is conserved. In addition, this alteration is predicted to be tolerated by in silico analysis. Based on the available evidence, the clinical significance of this variant remains unclear.

NM_004629.2(FANCG):c.506G>A (p.Ser169Asn)

Gene: FANCG (FA complementation group G; minus strand). Cytogenetic location: 9p13.3.
Variant type: single nucleotide variant.
Coding change: c.506G>A on transcript NM_004629.2 (MANE Select); coding-DNA position 506, G replaced by A.
Protein change: p.Ser169Asn; replaces serine 169 with asparagine.
Molecular consequence: missense variant.
Genome position (GRCh38, 1-based): chr9:35,078,145, C>T on the plus strand (G>A on the coding strand, the complement: FANCG is on the minus strand). VCF-style: chr9-35078145-C-T. GRCh37 (hg19) VCF-style: chr9-35078142-C-T.
Other names: short protein forms S169N.
Identifiers: ClinVar variation 4254464 (VCV004254464.1).
Genomic context (GRCh38, chr9:35,078,145, plus strand): 5'-GAAAGGAGGAGGAAGGAAGGAGGAGACCCTCAGCTTCAGGTCACTTTCCCTATTACCTGG[C>T]TGCCATTCAGGGTCTCTAGTAACAAGGCCAGGTCCCCAAGACGGTCAGCACTCAACCAGA-3'
Protein context (NP_004620.1, residues 159-179): LALLLETLNG[Ser169Asn]QSGASKDLLL